The following is an entry in ClinVar:

ClinVar aggregate classification (germline): Uncertain significance (1 of 4 stars; one submission).

Conditions:
EAST syndrome (SESAMES). Also called: SEIZURES, SENSORINEURAL DEAFNESS, ATAXIA, IMPAIRED INTELLECTUAL DEVELOPMENT, AND ELECTROLYTE IMBALANCE. Identifiers: Orphanet 199343, MedGen C2748572, MONDO:0013005, OMIM 612780.

Submission:

Labcorp Genetics (formerly Invitae), Labcorp
Classification: Uncertain significance for EAST syndrome. Last evaluated: 2025-02-17. Review status: criteria provided, single submitter. Criteria: Invitae Variant Classification Sherloc (09022015). Collection method: clinical testing. Allele origin: germline.
Comment: This sequence change replaces serine, which is neutral and polar, with asparagine, which is neutral and polar, at codon 284 of the KCNJ10 protein (p.Ser284Asn). This variant is not present in population databases (gnomAD no frequency). This variant has not been reported in the literature in individuals affected with KCNJ10-related conditions. ClinVar contains an entry for this variant (Variation ID: 1935339). Invitae Evidence Modeling of protein sequence and biophysical properties (such as structural, functional, and spatial information, amino acid conservation, physicochemical variation, residue mobility, and thermodynamic stability) indicates that this missense variant is not expected to disrupt KCNJ10 protein function with a negative predictive value of 95%. In summary, the available evidence is currently insufficient to determine the role of this variant in disease. Therefore, it has been classified as a Variant of Uncertain Significance.

NM_002241.5(KCNJ10):c.851G>A (p.Ser284Asn)

Gene: KCNJ10 (potassium inwardly rectifying channel subfamily J member 10; minus strand). Cytogenetic location: 1q23.2.
Variant type: single nucleotide variant.
Coding change: c.851G>A on transcript NM_002241.5 (MANE Select); coding-DNA position 851, G replaced by A.
Protein change: p.Ser284Asn; replaces serine 284 with asparagine.
Molecular consequence: missense variant.
Genome position (GRCh38, 1-based): chr1:160,041,682, C>T on the plus strand (G>A on the coding strand, the complement: KCNJ10 is on the minus strand). VCF-style: chr1-160041682-C-T. GRCh37 (hg19) VCF-style: chr1-160011472-C-T.
Other names: short protein forms S284N.
Identifiers: ClinVar variation 1935339 (VCV001935339.5), dbSNP rs1557967687, ClinGen allele CA343224441.